The following is an entry in ClinVar:

ClinVar aggregate classification (germline): Benign/Likely benign. Review status: criteria provided, multiple submitters, no conflicts (2 of 4 stars). 6 submissions from 6 submitters: Benign (2); Likely benign (2). 2 of the submissions do not count toward it. Last evaluated 2026-01-27.

Conditions:
Dilated cardiomyopathy 1G (CMD1G). Identifiers: Orphanet 154, MedGen C1858763, MONDO:0011400, OMIM 604145.
Autosomal recessive limb-girdle muscular dystrophy type 2J (LGMDR10). Also called: Limb-girdle muscular dystrophy, type 2J; MUSCULAR DYSTROPHY, LIMB-GIRDLE, AUTOSOMAL RECESSIVE 10. Identifiers: Orphanet 140922, MedGen C1837342, MONDO:0012127, OMIM 608807.

Allele frequency attached by ClinVar (database versions not stated): gnomAD 0.00071 and 0.00075; ESP Exome Variant Server 0.00083; TOPMed 0.00088; ExAC 0.00022; 1000 Genomes Project 30x 0.00078; gnomAD exomes 0.00023 and 0.00009; 1000 Genomes Project 0.00040.
gnomAD v4.1: 240 of 1,611,822 alleles (0.015%); highest among the groups gnomAD compares: African/African-American, 0.28%; 1 homozygote.

Submissions (6):

Labcorp Genetics (formerly Invitae), Labcorp
Classification: Benign for Dilated cardiomyopathy 1G; Autosomal recessive limb-girdle muscular dystrophy type 2J. Last evaluated: 2026-01-27. Review status: criteria provided, single submitter. Criteria: Invitae Variant Classification Sherloc (09022015). Collection method: clinical testing. Allele origin: germline.

Blueprint Genetics
Classification: Likely benign. Last evaluated: 2024-11-25. Review status: criteria provided, single submitter. Criteria: ACMG Guidelines, 2015. Collection method: clinical testing. Allele origin: germline.

Women's Health and Genetics/Laboratory Corporation of America, LabCorp
Classification: Likely benign. Last evaluated: 2023-09-25. Review status: criteria provided, single submitter. Criteria: LabCorp Variant Classification Summary - May 2015. Collection method: clinical testing. Allele origin: germline.

GeneDx
Classification: Benign. Last evaluated: 2014-05-09. Review status: criteria provided, single submitter. Criteria: GeneDx Variant Classification (06012015). Collection method: clinical testing. Allele origin: germline. Affected: yes.
Comment: This variant is considered likely benign or benign based on one or more of the following criteria: it is a conservative change, it occurs at a poorly conserved position in the protein, it is predicted to be benign by multiple in silico algorithms, and/or has population frequency not consistent with disease.

Clinical Genetics DNA and cytogenetics Diagnostics Lab, Erasmus MC, Erasmus Medical Center
Classification: Likely benign. Review status: no assertion criteria provided. Collection method: clinical testing. Allele origin: germline. Affected: yes. Study: VKGL Data-share Consensus. Not counted in ClinVar's aggregate classification.

Clinical Genetics, Academic Medical Center
Classification: Benign. Review status: no assertion criteria provided. Collection method: clinical testing. Allele origin: germline. Affected: yes. Study: VKGL Data-share Consensus. Not counted in ClinVar's aggregate classification.

NM_001267550.2(TTN):c.40786+15C>A

Gene: TTN (titin; minus strand). Cytogenetic location: 2q31.2.
Variant type: single nucleotide variant.
Coding change: c.40786+15C>A on transcript NM_001267550.2 (MANE Select); 15 bases into the intron after coding-DNA position 40786, C replaced by A.
Molecular consequence: intron variant.
Genome position (GRCh38, 1-based): chr2:178,640,033, G>T on the plus strand (C>A on the coding strand, the complement: TTN is on the minus strand). VCF-style: chr2-178640033-G-T. GRCh37 (hg19) VCF-style: chr2-179504760-G-T.
Other names: c.13591+15C>A (NM_003319.4); c.14167+15C>A (NM_133437.4); c.13966+15C>A (NM_133432.3); c.33082+15C>A (NM_133378.4); c.35863+15C>A (NM_001256850.1).
Identifiers: ClinVar variation 137788 (VCV000137788.14), dbSNP rs187582271, ClinGen allele CA291450.